The following is an entry in ClinVar:

NM_001007228.2(SPOP):c.1056A>C (p.Ala352=)

Gene: SPOP (speckle type BTB/POZ protein; minus strand). Cytogenetic location: 17q21.33.
Variant type: single nucleotide variant.
Coding change: c.1056A>C on transcript NM_001007228.2 (MANE Select); coding-DNA position 1056, A replaced by C.
Protein change: p.Ala352=; no amino-acid change (alanine 352 retained).
Molecular consequence: synonymous variant.
Genome position (GRCh38, 1-based): chr17:49,600,447, T>G on the plus strand (A>C on the coding strand, the complement: SPOP is on the minus strand). VCF-style: chr17-49600447-T-G. GRCh37 (hg19) VCF-style: chr17-47677809-T-G.
Other names: c.1056A>C, p.Ala352= (NM_001007226.1, NM_001007227.1, NM_001007229.1 and 5 more transcripts).
Identifiers: ClinVar variation 3771546 (VCV003771546.13).

ClinVar aggregate classification (germline): Likely benign (1 of 4 stars; one submission).

Submission:

CeGaT Center for Human Genetics Tuebingen
Classification: Likely benign. Last evaluated: 2025-02-01. Review status: criteria provided, single submitter. Criteria: CeGaT Center For Human Genetics Tuebingen Variant Classification Criteria Version 2. Collection method: clinical testing. Allele origin: germline. Affected: yes. Observed: 1 variant allele.
Comment: SPOP: BP4, BP7